The following is an entry in ClinVar:

ClinVar aggregate classification (germline): Uncertain significance (1 of 4 stars; one submission).

Conditions:
Familial thoracic aortic aneurysm and aortic dissection (TAAD). Also called: Thoracic aortic aneurysms and dissections. Identifiers: Orphanet 91387, MedGen C4707243, MONDO:0019625.

Submission:

Color Diagnostics, LLC DBA Color Health
Classification: Uncertain significance for Familial thoracic aortic aneurysm and aortic dissection. Last evaluated: 2025-08-30. Review status: criteria provided, single submitter. Criteria: ACMG Guidelines, 2015. Collection method: clinical testing. Allele origin: germline.
Comment: This missense variant replaces asparagine with aspartic acid at codon 2356 of the FBN1 protein. Computational prediction suggests that this variant may not impact protein structure and function. To our knowledge, functional studies have not been reported for this variant. This variant has not been reported in individuals affected with FBN1-related disorders in the literature. This variant has not been identified in the general population by the Genome Aggregation Database (gnomAD). The available evidence is insufficient to determine the role of this variant in disease conclusively. Therefore, this variant is classified as a Variant of Uncertain Significance.

NM_000138.5(FBN1):c.7066A>G (p.Asn2356Asp)

Gene: FBN1 (fibrillin 1; minus strand). Cytogenetic location: 15q21.1.
Variant type: single nucleotide variant.
Coding change: c.7066A>G on transcript NM_000138.5 (MANE Select); coding-DNA position 7066, A replaced by G.
Protein change: p.Asn2356Asp; replaces asparagine 2356 with aspartic acid.
Molecular consequence: missense variant.
Genome position (GRCh38, 1-based): chr15:48,427,705, T>C on the plus strand (A>G on the coding strand, the complement: FBN1 is on the minus strand). VCF-style: chr15-48427705-T-C. GRCh37 (hg19) VCF-style: chr15-48719902-T-C.
Other names: c.7066A>G, p.Asn2356Asp (NM_001406716.1); short protein forms N2356D.
Identifiers: ClinVar variation 4758033 (VCV004758033.1).